The following is an entry in ClinVar:

ClinVar aggregate classification (germline): Uncertain significance (1 of 4 stars; one submission).

Submission:

GeneDx
Classification: Uncertain significance. Last evaluated: 2023-05-23. Review status: criteria provided, single submitter. Criteria: GeneDx Variant Classification Process June 2021. Collection method: clinical testing. Allele origin: germline. Affected: yes.
Comment: Not observed at significant frequency in large population cohorts (gnomAD); In silico analysis supports that this missense variant has a deleterious effect on protein structure/function; Has not been previously published as pathogenic or benign to our knowledge

NM_003024.3(ITSN1):c.4094G>C (p.Arg1365Pro)

Gene: ITSN1 (intersectin 1; plus strand). Cytogenetic location: 21q22.11.
Variant type: single nucleotide variant.
Coding change: c.4094G>C on transcript NM_003024.3 (MANE Select); coding-DNA position 4094, G replaced by C.
Protein change: p.Arg1365Pro; replaces arginine 1365 with proline.
Molecular consequence: missense variant.
Genome position (GRCh38, 1-based): chr21:33,867,252, G>C. VCF-style: chr21-33867252-G-C. GRCh37 (hg19) VCF-style: chr21-35239556-G-C.
Other names: c.4079G>C, p.Arg1360Pro (NM_001331010.2); short protein forms R1360P, R1365P.
Identifiers: ClinVar variation 3362138 (VCV003362138.1).